The following is an entry in ClinVar:

NM_001282225.2(ADA2):c.753+3934T>G

Gene: ADA2 (adenosine deaminase 2; minus strand). Cytogenetic location: 22q11.1.
Variant type: single nucleotide variant.
Coding change: c.753+3934T>G on transcript NM_001282225.2 (MANE Select); 3934 bases into the intron after coding-DNA position 753, T replaced by G.
Molecular consequence: intron variant. On other transcripts: 5 prime UTR variant (1).
Genome position (GRCh38, 1-based): chr22:17,199,629, A>C on the plus strand (T>G on the coding strand, the complement: ADA2 is on the minus strand). VCF-style: chr22-17199629-A-C. GRCh37 (hg19) VCF-style: chr22-17680519-A-C.
Other names: c.-51T>G (NM_177405.3); c.627+3934T>G (NM_001282227.2, NM_001282228.2); c.393+3934T>G (NM_001282229.2); c.753+3934T>G (NM_001282226.2).
Identifiers: ClinVar variation 1246739 (VCV001246739.5), dbSNP rs17807317, ClinGen allele CA10088136.

ClinVar aggregate classification (germline): Benign. Review status: criteria provided, multiple submitters, no conflicts (2 of 4 stars). 3 submissions from 3 submitters: Benign (3). Last evaluated 2023-11-12.

Allele frequency attached by ClinVar (database versions not stated): 1000 Genomes Project 0.31230; 1000 Genomes Project 30x 0.31277; ExAC 0.41153; gnomAD 0.41533 and 0.41973; ESP Exome Variant Server 0.42972.
gnomAD v4.1: 739,954 of 1,613,166 alleles (46%); highest among the groups gnomAD compares: Non-Finnish European, 49%; 175,553 homozygotes.

Submissions (3):

Unidad de Genómica Garrahan, Hospital de Pediatría Garrahan
Classification: Benign. Last evaluated: 2023-11-12. Review status: criteria provided, single submitter. Criteria: ACMG Guidelines, 2015. Collection method: clinical testing. Allele origin: germline. Affected: no. Observed: 59 variant alleles.
Comment: This variant is classified as Benign based on local population frequency. This variant was detected in 61% of patients studied by a panel of primary immunodeficiencies. Number of patients: 59. Only high quality variants are reported.

GeneDx
Classification: Benign. Last evaluated: 2021-05-10. Review status: criteria provided, single submitter. Criteria: GeneDx Variant Classification Process June 2021. Collection method: clinical testing. Allele origin: germline. Affected: yes.

Breakthrough Genomics
Classification: Benign. Review status: criteria provided, single submitter. Criteria: ACMG Guidelines, 2015. Collection method: not provided. Allele origin: germline. Inheritance: Autosomal recessive inheritance. Affected: yes.